The following is an entry in ClinVar:

ClinVar aggregate classification (germline): Pathogenic (1 of 4 stars; one submission).

Submission:

GeneDx
Classification: Pathogenic. Last evaluated: 2017-12-07. Review status: criteria provided, single submitter. Criteria: GeneDx Variant Classification (06012015). Collection method: clinical testing. Allele origin: germline. Affected: yes.
Comment: The Y1049X nonsense variant in the GLI3 gene has not been published as a pathogenic variant, nor has it been reported as a benign variant to our knowledge. This variant is predicted to cause loss of normal protein function through protein truncation. The Y1049X variant is not observed in large population cohorts (Lek et al., 2016). Based on currently available evidence, we consider Y1049X to be pathogenic.

NM_000168.6(GLI3):c.3147C>G (p.Tyr1049Ter)

Gene: GLI3 (GLI family zinc finger 3; minus strand). Cytogenetic location: 7p14.1.
Variant type: single nucleotide variant.
Coding change: c.3147C>G on transcript NM_000168.6 (MANE Select); coding-DNA position 3147, C replaced by G.
Protein change: p.Tyr1049Ter; replaces tyrosine 1049 with a stop codon.
Molecular consequence: nonsense.
Genome position (GRCh38, 1-based): chr7:41,965,926, G>C on the plus strand (C>G on the coding strand, the complement: GLI3 is on the minus strand). VCF-style: chr7-41965926-G-C. GRCh37 (hg19) VCF-style: chr7-42005524-G-C.
Other names: short protein forms Y1049*.
Identifiers: ClinVar variation 489244 (VCV000489244.2), dbSNP rs779898173, ClinGen allele CA367319060.